The following is an entry in ClinVar:

NM_002878.4(RAD51D):c.938C>T (p.Thr313Ile)

Genes: RAD51D (RAD51 paralog D; minus strand), RAD51L3-RFFL (RAD51L3-RFFL readthrough; minus strand). Cytogenetic location: 17q12.
Variant type: single nucleotide variant.
Coding change: c.938C>T on transcript NM_002878.4 (MANE Select); coding-DNA position 938, C replaced by T.
Protein change: p.Thr313Ile; replaces threonine 313 with isoleucine.
Molecular consequence: missense variant. On other transcripts: non-coding transcript variant (2).
Genome position (GRCh38, 1-based): chr17:35,101,002, G>A on the plus strand (C>T on the coding strand, the complement: RAD51D is on the minus strand). VCF-style: chr17-35101002-G-A. GRCh37 (hg19) VCF-style: chr17-33428021-G-A.
Other names: c.998C>T, p.Thr333Ile (NM_001142571.2); c.602C>T, p.Thr201Ile (NM_133629.3); short protein forms T333I, T201I, T313I.
Identifiers: ClinVar variation 2809575 (VCV002809575.4), dbSNP rs756616712, ClinGen allele CA8499308.

ClinVar aggregate classification (germline): Conflicting classifications of pathogenicity. Review status: criteria provided, conflicting classifications (1 of 4 stars). 2 submissions from 2 submitters: Uncertain significance (1); Likely benign (1). Last evaluated 2026-01-28.

Conditions:
Hereditary cancer-predisposing syndrome. Also called: Tumor predisposition; Hereditary Cancer Syndrome; Hereditary neoplastic syndrome; Neoplastic Syndromes, Hereditary. Identifiers: Orphanet 140162, MedGen C0027672, MeSH D009386, MONDO:0015356.
Breast-ovarian cancer, familial, susceptibility to, 4. Identifiers: Orphanet 145, MedGen C3280345, MONDO:0013669, OMIM 614291.

Allele frequency attached by ClinVar (database versions not stated): ExAC 0.00002.
gnomAD v4.1: 1 of 1,613,898 alleles (0.000062%); highest among the groups gnomAD compares: Non-Finnish European, 0.000085%; no homozygotes.

Submissions (2):

Labcorp Genetics (formerly Invitae), Labcorp
Classification: Uncertain significance for Breast-ovarian cancer, familial, susceptibility to, 4. Last evaluated: 2026-01-28. Review status: criteria provided, single submitter. Criteria: Invitae Variant Classification Sherloc (09022015). Collection method: clinical testing. Allele origin: germline.
Comment: This sequence change replaces threonine, which is neutral and polar, with isoleucine, which is neutral and non-polar, at codon 313 of the RAD51D protein (p.Thr313Ile). This variant is present in population databases (rs756616712, gnomAD 0.002%). This variant has not been reported in the literature in individuals affected with RAD51D-related conditions. ClinVar contains an entry for this variant (Variation ID: 2809575). An algorithm developed to predict the effect of missense changes on protein structure and function (PolyPhen-2) suggests that this variant is likely to be tolerated. In summary, the available evidence is currently insufficient to determine the role of this variant in disease. Therefore, it has been classified as a Variant of Uncertain Significance.

Ambry Genetics
Classification: Likely benign for Hereditary cancer-predisposing syndrome. Last evaluated: 2023-11-13. Review status: criteria provided, single submitter. Criteria: Ambry Variant Classification Scheme 2023. Collection method: clinical testing. Allele origin: germline.

Literature cited by the submitters: PubMed 36315097 (cited by Ambry Genetics).